The following is an entry in ClinVar:

NM_001035.3(RYR2):c.13280A>T (p.Glu4427Val)

Gene: RYR2 (ryanodine receptor 2; plus strand). Cytogenetic location: 1q43.
Variant type: single nucleotide variant.
Coding change: c.13280A>T on transcript NM_001035.3 (MANE Select); coding-DNA position 13280, A replaced by T.
Protein change: p.Glu4427Val; replaces glutamic acid 4427 with valine.
Molecular consequence: missense variant.
Genome position (GRCh38, 1-based): chr1:237,785,988, A>T. VCF-style: chr1-237785988-A-T. GRCh37 (hg19) VCF-style: chr1-237949288-A-T.
Other names: short protein forms E4427V.
Identifiers: ClinVar variation 1770045 (VCV001770045.6), dbSNP rs2527820506, ClinGen allele CA345415837.

ClinVar aggregate classification (germline): Uncertain significance. Review status: criteria provided, multiple submitters, no conflicts (2 of 4 stars). 2 submissions from 2 submitters: Uncertain significance (2). Last evaluated 2025-04-19.

Conditions:
Cardiovascular phenotype. Identifiers: MedGen CN230736.
Catecholaminergic polymorphic ventricular tachycardia 1. Also called: VENTRICULAR TACHYCARDIA, CATECHOLAMINERGIC POLYMORPHIC, 1, WITH OR WITHOUT ATRIAL DYSFUNCTION AND/OR DILATED CARDIOMYOPATHY; VENTRICULAR TACHYCARDIA, STRESS-INDUCED POLYMORPHIC 1; RYR2-Related Catecholaminergic Polymorphic Ventricular Tachycardia. Identifiers: Orphanet 3286, MedGen C1631597, MONDO:0011484, OMIM 604772.

Submissions (2):

Ambry Genetics
Classification: Uncertain significance for Cardiovascular phenotype. Last evaluated: 2025-04-19. Review status: criteria provided, single submitter. Criteria: Ambry Variant Classification Scheme 2023. Collection method: clinical testing. Allele origin: germline.
Comment: The p.E4427V variant (also known as c.13280A>T), located in coding exon 91 of the RYR2 gene, results from an A to T substitution at nucleotide position 13280. The glutamic acid at codon 4427 is replaced by valine, an amino acid with dissimilar properties. This amino acid position is well conserved in available vertebrate species. In addition, the in silico prediction for this alteration is inconclusive. Since supporting evidence is limited at this time, the clinical significance of this alteration remains unclear.

Labcorp Genetics (formerly Invitae), Labcorp
Classification: Uncertain significance for Catecholaminergic polymorphic ventricular tachycardia 1. Last evaluated: 2025-04-01. Review status: criteria provided, single submitter. Criteria: Invitae Variant Classification Sherloc (09022015). Collection method: clinical testing. Allele origin: germline.
Comment: This sequence change replaces glutamic acid, which is acidic and polar, with valine, which is neutral and non-polar, at codon 4427 of the RYR2 protein (p.Glu4427Val). This variant is not present in population databases (gnomAD no frequency). This variant has not been reported in the literature in individuals affected with RYR2-related conditions. ClinVar contains an entry for this variant (Variation ID: 1770045). Invitae Evidence Modeling of protein sequence and biophysical properties (such as structural, functional, and spatial information, amino acid conservation, physicochemical variation, residue mobility, and thermodynamic stability) indicates that this missense variant is not expected to disrupt RYR2 protein function with a negative predictive value of 95%. In summary, the available evidence is currently insufficient to determine the role of this variant in disease. Therefore, it has been classified as a Variant of Uncertain Significance.